The following is an entry in ClinVar:

NM_178822.5(IGSF10):c.1535C>G (p.Ala512Gly)

Gene: IGSF10 (immunoglobulin superfamily member 10; minus strand). Cytogenetic location: 3q25.1.
Variant type: single nucleotide variant.
Coding change: c.1535C>G on transcript NM_178822.5 (MANE Select); coding-DNA position 1535, C replaced by G.
Protein change: p.Ala512Gly; replaces alanine 512 with glycine.
Molecular consequence: missense variant.
Genome position (GRCh38, 1-based): chr3:151,448,446, G>C on the plus strand (C>G on the coding strand, the complement: IGSF10 is on the minus strand). VCF-style: chr3-151448446-G-C. GRCh37 (hg19) VCF-style: chr3-151166234-G-C.
Other names: c.1535C>G, p.Ala512Gly (NM_001385060.1, NM_001385061.1, NM_001385062.1 and 1 more transcripts); short protein forms A512G.
Identifiers: ClinVar variation 2654240 (VCV002654240.24), dbSNP rs959556806, ClinGen allele CA85738151.

ClinVar aggregate classification (germline): Likely benign (1 of 4 stars; one submission).

Allele frequency attached by ClinVar (database versions not stated): gnomAD exomes 0.00001; TOPMed 0.00001.
gnomAD v4.1: 5 of 1,614,204 alleles (0.00031%); highest among the groups gnomAD compares: East Asian, 0.011%; no homozygotes.

Submission:

CeGaT Center for Human Genetics Tuebingen
Classification: Likely benign. Last evaluated: 2023-10-01. Review status: criteria provided, single submitter. Criteria: CeGaT Center For Human Genetics Tuebingen Variant Classification Criteria Version 2. Collection method: clinical testing. Allele origin: germline. Affected: yes. Observed: 1 variant allele.
Comment: IGSF10: BP4